The following is an entry in ClinVar:

ClinVar aggregate classification (germline): Uncertain significance (1 of 4 stars; one submission).

Conditions:
RYR1-related disorder. Also called: RYR1-related condition; RYR1-related disorders. Identifiers: MedGen CN239331.

Submission:

PreventionGenetics, part of Exact Sciences
Classification: Uncertain significance for RYR1-related condition. Last evaluated: 2023-06-05. Review status: criteria provided, single submitter. Criteria: ACMG Guidelines, 2015. Collection method: clinical testing. Allele origin: germline.
Comment: The RYR1 c.2932C>T variant is predicted to result in the amino acid substitution p.Pro978Ser. To our knowledge, this variant has not been reported in the literature or in a large population database, indicating this variant is rare. At this time, the clinical significance of this variant is uncertain due to the absence of conclusive functional and genetic evidence.

NM_000540.3(RYR1):c.2932C>T (p.Pro978Ser)

Gene: RYR1 (ryanodine receptor 1; plus strand). Cytogenetic location: 19q13.2.
Variant type: single nucleotide variant.
Coding change: c.2932C>T on transcript NM_000540.3 (MANE Select); coding-DNA position 2932, C replaced by T.
Protein change: p.Pro978Ser; replaces proline 978 with serine.
Molecular consequence: missense variant.
Genome position (GRCh38, 1-based): chr19:38,466,152, C>T. VCF-style: chr19-38466152-C-T. GRCh37 (hg19) VCF-style: chr19-38956792-C-T.
Other names: c.2932C>T, p.Pro978Ser (NM_001042723.2); short protein forms P978S.
Identifiers: ClinVar variation 2632540 (VCV002632540.1), dbSNP rs1202941571, ClinGen allele CA405634736.